The following is an entry in ClinVar:

ClinVar aggregate classification (germline): Pathogenic. Review status: criteria provided, single submitter (1 of 4 stars). 2 submissions from 2 submitters: Pathogenic (1). 1 of the submissions does not count toward it. Last evaluated 2023-07-28.

Conditions:
Hermansky-Pudlak syndrome 4 (HPS4). Identifiers: Orphanet 231500, Orphanet 79430, MedGen C3484357, MONDO:0013556, OMIM 614073.

Allele frequency attached by ClinVar (database versions not stated): gnomAD exomes below 0.00001.
gnomAD v4.1: 2 of 1,614,180 alleles (0.00012%); highest among the groups gnomAD compares: East Asian, 0.0022%; no homozygotes.

Submissions (2):

Labcorp Genetics (formerly Invitae), Labcorp
Classification: Pathogenic. Last evaluated: 2023-07-28. Review status: criteria provided, single submitter. Criteria: Invitae Variant Classification Sherloc (09022015). Collection method: clinical testing. Allele origin: germline.
Comment: This sequence change creates a premature translational stop signal (p.Gln631*) in the HPS4 gene. It is expected to result in an absent or disrupted protein product. Loss-of-function variants in HPS4 are known to be pathogenic (PMID: 12664304). For these reasons, this variant has been classified as Pathogenic. ClinVar contains an entry for this variant (Variation ID: 4125). This premature translational stop signal has been observed in individual(s) with Hermansky-Pudlak syndrome (PMID: 11836498). This variant is not present in population databases (gnomAD no frequency).

OMIM
Classification: Pathogenic for HERMANSKY-PUDLAK SYNDROME 4. Last evaluated: 2002-03-01. Review status: no assertion criteria provided. Collection method: literature only. Allele origin: germline. Not counted in ClinVar's aggregate classification.

Literature cited by the submitters: PubMed 12664304 (cited by Labcorp Genetics (formerly Invitae), Labcorp); PubMed 11836498 (cited by Labcorp Genetics (formerly Invitae), Labcorp and OMIM).

NM_022081.6(HPS4):c.1891C>T (p.Gln631Ter)

Gene: HPS4 (HPS4 biogenesis of lysosomal organelles complex 3 subunit 2; minus strand). Cytogenetic location: 22q12.1.
Variant type: single nucleotide variant.
Coding change: c.1891C>T on transcript NM_022081.6 (MANE Select); coding-DNA position 1891, C replaced by T.
Protein change: p.Gln631Ter; replaces glutamine 631 with a stop codon.
Molecular consequence: nonsense. On other transcripts: non-coding transcript variant (8), intron variant (2).
Genome position (GRCh38, 1-based): chr22:26,457,923, G>A on the plus strand (C>T on the coding strand, the complement: HPS4 is on the minus strand). VCF-style: chr22-26457923-G-A. GRCh37 (hg19) VCF-style: chr22-26853889-G-A.
Other names: c.1891C>T, p.Gln631Ter (NM_001349896.1, NM_001349898.2, NM_001349899.2 and 2 more transcripts); c.1945C>T, p.Gln649Ter (NM_001349900.2, NM_001349901.1); c.1876C>T, p.Gln626Ter (NM_152841.2); c.1714-4519C>T (NM_001349902.1, NM_001349903.2); short protein forms Q631*, Q626*, Q649*.
Identifiers: ClinVar variation 4125 (VCV000004125.6), dbSNP rs119471021, ClinGen allele CA340167.
Genomic context (GRCh38, chr22:26,457,923, plus strand): 5'-CAGTCATTTCATAAAGCGCGGGCAGCTGGGCAAATTCGCTATGCATCAGGCTGACGGCCT[G>A]GAGGAAGCGGCGATCCTGCGGGGTGGCCACCTGCGGCAGGTTTGCTTCCAGAAGAGGACA-3'